The following is an entry in ClinVar:

NM_000666.3(ACY1):c.836C>T (p.Pro279Leu)

Genes: ABHD14A-ACY1 (ABHD14A-ACY1 readthrough; plus strand), ACY1 (aminoacylase 1; plus strand). Cytogenetic location: 3p21.2.
Variant type: single nucleotide variant.
Coding change: c.836C>T on transcript NM_000666.3 (MANE Select); coding-DNA position 836, C replaced by T.
Protein change: p.Pro279Leu; replaces proline 279 with leucine.
Molecular consequence: missense variant. On other transcripts: intron variant (1).
Genome position (GRCh38, 1-based): chr3:51,987,437, C>T. VCF-style: chr3-51987437-C-T. GRCh37 (hg19) VCF-style: chr3-52021453-C-T.
Other names: c.1106C>T, p.Pro369Leu (NM_001316331.2); c.836C>T, p.Pro279Leu (NM_001198895.2); c.620C>T, p.Pro207Leu (NM_001198896.2); c.731C>T, p.Pro244Leu (NM_001198898.2); c.658-119C>T (NM_001198897.2); short protein forms P207L, P369L, P244L, P279L.
Identifiers: ClinVar variation 2259561 (VCV002259561.4), dbSNP rs199947344, ClinGen allele CA2428645.
Genomic context (GRCh38, chr3:51,987,437, plus strand): 5'-GCGTGGCCTATAACGTGATACCTGCCACCATGAGCGCCAGCTTTGACTTCCGTGTGGCAC[C>T]GGATGTGGACTTCAAGGTGCCACCTCCACCTGGGTTTGGAGGAGGGATCCTGGGTCCTCA-3'
Protein context (NP_000657.1, residues 269-289): MSASFDFRVA[Pro279Leu]DVDFKAFEEQ

ClinVar aggregate classification (germline): Uncertain significance. Review status: criteria provided, multiple submitters, no conflicts (2 of 4 stars). 2 submissions from 2 submitters: Uncertain significance (2). Last evaluated 2025-04-12.

Conditions:
Inborn genetic diseases. Identifiers: MedGen C0950123, MeSH D030342.
Aminoacylase 1 deficiency. Also called: Neurological conditions associated with aminoacylase 1 deficiency. Identifiers: Orphanet 137754, MedGen C1835922, MONDO:0012368, OMIM 609924.

Allele frequency attached by ClinVar (database versions not stated): TOPMed 0.00002; gnomAD exomes 0.00006; 1000 Genomes Project 0.00020; gnomAD 0.00005; ExAC 0.00011; 1000 Genomes Project 30x 0.00031.

Submissions (2):

Ambry Genetics
Classification: Uncertain significance for Inborn genetic diseases. Last evaluated: 2025-04-12. Review status: criteria provided, single submitter. Criteria: Ambry Variant Classification Scheme 2023. Collection method: clinical testing. Allele origin: germline.

Victorian Clinical Genetics Services, Murdoch Childrens Research Institute
Classification: Uncertain significance for Aminoacylase 1 deficiency. Last evaluated: 2024-10-09. Review status: criteria provided, single submitter. Criteria: ACMG Guidelines, 2015. Collection method: clinical testing. Allele origin: germline. Inheritance: Autosomal recessive inheritance. Affected: yes.
Comment: Based on the classification scheme VCGS_Germline_v1.3.4, this variant is classified as VUS-3C. Following criteria are met: 0102 - Loss of function is a known mechanism of disease in this gene and is associated with Aminoacylase 1 deficiency (MIM#609924). (I) 0106 - This gene is associated with autosomal recessive disease. (I) 0200 - Variant is predicted to result in a missense amino acid change from proline to leucine. (I) 0252 - This variant is homozygous. (I) 0304 - Variant is present in gnomAD <0.01 for a recessive condition (v2) (24 heterozygotes, 1 homozygote). (SP) 0309 - Multiple alternative amino acid changes at the same position have been observed in gnomAD (highest allele count, v3: 9 heterozygotes, 0 homozygotes). (I) 0502 - Missense variant with conflicting in silico predictions and uninformative conservation. (I) 0600 - Variant is located in the annotated M20 dimer domain (DECIPHER). (I) 0705 - No comparable missense variants have previous evidence for pathogenicity. (I) 0809 - Previous evidence of pathogenicity for this variant is inconclusive. It has been reported as a variant of uncertain significance in one entry in Clinvar. (I) 0905 - No published segregation evidence has been identified for this variant. (I) 1007 - No published functional evidence has been identified for this variant. (I) Legend: (SP) - Supporting pathogenic, (I) - Information, (SB) - Supporting benign